The following is an entry in ClinVar:

NM_138694.4(PKHD1):c.9149del (p.Gly3050fs)

Gene: PKHD1 (PKHD1 ciliary IPT domain containing fibrocystin/polyductin; minus strand). Cytogenetic location: 6p12.3.
Variant type: Deletion.
Coding change: c.9149del on transcript NM_138694.4 (MANE Select); coding-DNA position 9149, one base deleted (G; older notation c.9149delG).
Protein change: p.Gly3050fs; shifts the reading frame from glycine 3050.
Molecular consequence: frameshift variant.
Genome position (GRCh38, 1-based): chr6:51,748,467, C deleted on the plus strand (G on the coding strand, the reverse complement: PKHD1 is on the minus strand); the first of 2 consecutive C bases (chr6:51,748,467-51,748,468); deleting either gives the same sequence. VCF-style (leftmost placement, unchanged base first): chr6-51748466-GC-G. GRCh37 (hg19) VCF-style: chr6-51613264-GC-G.
Other names: c.9149del, p.Gly3050fs (NM_170724.3); short protein forms G3050fs.
Identifiers: ClinVar variation 1074792 (VCV001074792.7), dbSNP rs2150986366, ClinGen allele CA2499218343.
Genomic context (GRCh38, chr6:51,748,466, plus strand): 5'-CTGTGTCATCAGAACCACAAGGTTATTAGTGACAGTATAGGCCTGACCCTCTAAATCTAT[GC>G]CATGGCCAGCTGTGCCAAACACAATATTGTCATTTAAAAGTACTCCATGACTGGCAGCTG-3'

ClinVar aggregate classification (germline): Pathogenic (1 of 4 stars; one submission).

Conditions:
Autosomal recessive polycystic kidney disease (ARPKD). Also called: AR polycystic kidney disease. Identifiers: Orphanet 731, Orphanet 8378, MedGen C0085548, MeSH D017044, MONDO:0009889.

Submission:

Labcorp Genetics (formerly Invitae), Labcorp
Classification: Pathogenic for Autosomal recessive polycystic kidney disease. Last evaluated: 2022-11-01. Review status: criteria provided, single submitter. Criteria: Invitae Variant Classification Sherloc (09022015). Collection method: clinical testing. Allele origin: germline.
Comment: This sequence change creates a premature translational stop signal (p.Gly3050Alafs*2) in the PKHD1 gene. It is expected to result in an absent or disrupted protein product. Loss-of-function variants in PKHD1 are known to be pathogenic (PMID: 19940839). This variant is not present in population databases (gnomAD no frequency). This variant has not been reported in the literature in individuals affected with PKHD1-related conditions. ClinVar contains an entry for this variant (Variation ID: 1074792). For these reasons, this variant has been classified as Pathogenic.

Literature cited by the submitters: PubMed 19940839.